The following is an entry in ClinVar:

NM_020461.4(TUBGCP6):c.4882T>G (p.Phe1628Val)

Gene: TUBGCP6 (tubulin gamma complex component 6; minus strand). Cytogenetic location: 22q13.33.
Variant type: single nucleotide variant.
Coding change: c.4882T>G on transcript NM_020461.4 (MANE Select); coding-DNA position 4882, T replaced by G.
Protein change: p.Phe1628Val; replaces phenylalanine 1628 with valine.
Molecular consequence: missense variant.
Genome position (GRCh38, 1-based): chr22:50,218,560, A>C on the plus strand (T>G on the coding strand, the complement: TUBGCP6 is on the minus strand). VCF-style: chr22-50218560-A-C. GRCh37 (hg19) VCF-style: chr22-50656989-A-C.
Other names: short protein forms F1628V.
Identifiers: ClinVar variation 1498782 (VCV001498782.5), dbSNP rs201821366, ClinGen allele CA325509132.
Genomic context (GRCh38, chr22:50,218,560, plus strand): 5'-GGTGGAAGCAGACGTCCTTGAGCGCCCACATCATGAGCTTCAGCTGCAGCAGGAAGGAGA[A>C]GACGCCGCTGTACTTGCTCACGCAGCCCTCGGTGATGACAATGTTGAGAGGCCAGTCCAC-3'
Protein context (NP_065194.3, residues 1618-1638): EGCVSKYSGV[Phe1628Val]SFLLQLKLMM

ClinVar aggregate classification (germline): Uncertain significance (1 of 4 stars; one submission).

Allele frequency attached by ClinVar (database versions not stated): gnomAD exomes below 0.00001 and 0.00001; TOPMed 0.00001; gnomAD 0.00002.
gnomAD v4.1: 4 of 1,613,658 alleles (0.00025%); highest among the groups gnomAD compares: Admixed American, 0.0017%; no homozygotes.

Submission:

Labcorp Genetics (formerly Invitae), Labcorp
Classification: Uncertain significance. Last evaluated: 2021-08-24. Review status: criteria provided, single submitter. Criteria: Invitae Variant Classification Sherloc (09022015). Collection method: clinical testing. Allele origin: germline.
Comment: This sequence change replaces phenylalanine with valine at codon 1628 of the TUBGCP6 protein (p.Phe1628Val). The phenylalanine residue is moderately conserved and there is a small physicochemical difference between phenylalanine and valine. This variant is not present in population databases (ExAC no frequency). This variant has not been reported in the literature in individuals affected with TUBGCP6-related conditions. Algorithms developed to predict the effect of missense changes on protein structure and function are either unavailable or do not agree on the potential impact of this missense change (SIFT: "Tolerated"; PolyPhen-2: "Probably Damaging"; Align-GVGD: "Class C0"). In summary, the available evidence is currently insufficient to determine the role of this variant in disease. Therefore, it has been classified as a Variant of Uncertain Significance.